The following is an entry in ClinVar:

NM_001009944.3(PKD1):c.6504C>A (p.Tyr2168Ter)

Gene: PKD1 (polycystin 1, transient receptor potential channel interacting; minus strand). Cytogenetic location: 16p13.3.
Variant type: single nucleotide variant.
Coding change: c.6504C>A on transcript NM_001009944.3 (MANE Select); coding-DNA position 6504, C replaced by A.
Protein change: p.Tyr2168Ter; replaces tyrosine 2168 with a stop codon.
Molecular consequence: nonsense.
Genome position (GRCh38, 1-based): chr16:2,108,663, G>T on the plus strand (C>A on the coding strand, the complement: PKD1 is on the minus strand). VCF-style: chr16-2108663-G-T. GRCh37 (hg19) VCF-style: chr16-2158664-G-T.
Other names: c.6504C>A, p.Tyr2168Ter (NM_000296.4); short protein forms Y2168*.
Identifiers: ClinVar variation 2629862 (VCV002629862.1), dbSNP rs766241260, ClinGen allele CA394373429.

ClinVar aggregate classification (germline): Pathogenic (1 of 4 stars; one submission).

Conditions:
PKD1-related disorder. Also called: PKD1-related condition.

Submission:

PreventionGenetics, part of Exact Sciences
Classification: Pathogenic for PKD1-related condition. Last evaluated: 2023-01-18. Review status: criteria provided, single submitter. Criteria: ACMG Guidelines, 2015. Collection method: clinical testing. Allele origin: germline.
Comment: The PKD1 c.6504C>A variant is predicted to result in premature protein termination (p.Tyr2168*). To our knowledge, this variant has not been reported in the literature or in a large population database, indicating this variant is rare. Nonsense variants in PKD1 are expected to be pathogenic, and therefore we interpret c.6504C>A (p.Tyr2168*) as pathogenic.